The following is an entry in ClinVar:

NM_000235.4(LIPA):c.91C>G (p.Pro31Ala)

Gene: LIPA (lipase A, lysosomal acid type; minus strand). Cytogenetic location: 10q23.31.
Variant type: single nucleotide variant.
Coding change: c.91C>G on transcript NM_000235.4 (MANE Select); coding-DNA position 91, C replaced by G.
Protein change: p.Pro31Ala; replaces proline 31 with alanine.
Molecular consequence: missense variant. On other transcripts: intron variant (1).
Genome position (GRCh38, 1-based): chr10:89,247,558, G>C on the plus strand (C>G on the coding strand, the complement: LIPA is on the minus strand). VCF-style: chr10-89247558-G-C. GRCh37 (hg19) VCF-style: chr10-91007315-G-C.
Other names: c.91C>G, p.Pro31Ala (NM_001127605.3); c.-120+4179C>G (NM_001288979.2); short protein forms P31A.
Identifiers: ClinVar variation 1766162 (VCV001766162.2), dbSNP rs1843043905, ClinGen allele CA377518485.

ClinVar aggregate classification (germline): Uncertain significance (1 of 4 stars; one submission).

Conditions:
Cardiovascular phenotype. Identifiers: MedGen CN230736.

Allele frequency attached by ClinVar (database versions not stated): gnomAD exomes below 0.00001; TOPMed below 0.00001.
gnomAD v4.1: 1 of 1,608,888 alleles (0.000062%); highest among the groups gnomAD compares: Non-Finnish European, 0.000085%; no homozygotes.

Submission:

Ambry Genetics
Classification: Uncertain significance for Cardiovascular phenotype. Last evaluated: 2022-01-30. Review status: criteria provided, single submitter. Criteria: Ambry Variant Classification Scheme 2023. Collection method: clinical testing. Allele origin: germline.
Comment: The p.P31A variant (also known as c.91C>G), located in coding exon 1 of the LIPA gene, results from a C to G substitution at nucleotide position 91. The proline at codon 31 is replaced by alanine, an amino acid with highly similar properties. This amino acid position is conserved. In addition, the in silico prediction for this alteration is inconclusive. Since supporting evidence is limited at this time, the clinical significance of this alteration remains unclear.